The following is an entry in ClinVar:

ClinVar aggregate classification (germline): Conflicting classifications of pathogenicity. Review status: criteria provided, conflicting classifications (1 of 4 stars). 5 submissions from 5 submitters: Uncertain significance (1); Likely benign (4). Last evaluated 2026-06-14.

Conditions:
KMT2D-related disorder. Also called: KMT2D-Related Disorders.
Kabuki syndrome. Also called: NIIKAWA-KUROKI SYNDROME; Kabuki make-up syndrome. Identifiers: Orphanet 2322, MedGen C0796004, MONDO:0016512.

Allele frequency attached by ClinVar (database versions not stated): TOPMed 0.00001; ExAC 0.00002; gnomAD exomes 0.00002; gnomAD 0.00003.

Submissions (5):

PreventionGenetics, part of Exact Sciences
Classification: Likely benign for KMT2D-related condition. Last evaluated: 2026-06-14. Review status: criteria provided, single submitter. Criteria: ACMG Guidelines, 2015. Collection method: clinical testing. Allele origin: germline.
Comment: This variant is classified as likely benign based on ACMG/AMP sequence variant interpretation guidelines (Richards et al. 2015 PMID: 25741868, with internal and published modifications).

Labcorp Genetics (formerly Invitae), Labcorp
Classification: Likely benign for Kabuki syndrome. Last evaluated: 2025-11-17. Review status: criteria provided, single submitter. Criteria: Invitae Variant Classification Sherloc (09022015). Collection method: clinical testing. Allele origin: germline.

GeneDx
Classification: Likely benign. Last evaluated: 2021-04-26. Review status: criteria provided, single submitter. Criteria: GeneDx Variant Classification Process June 2021. Collection method: clinical testing. Allele origin: germline. Affected: yes.

Blueprint Genetics
Classification: Likely benign. Last evaluated: 2020-06-08. Review status: criteria provided, single submitter. Criteria: ACMG Guidelines, 2015. Collection method: clinical testing. Allele origin: germline.

Genetic Services Laboratory, University of Chicago
Classification: Uncertain significance. Last evaluated: 2016-11-07. Review status: criteria provided, single submitter. Criteria: ACMG Guidelines, 2015. Collection method: clinical testing. Allele origin: germline. Affected: no.

NM_003482.4(KMT2D):c.4941C>T (p.Thr1647=)

Gene: KMT2D (lysine methyltransferase 2D; minus strand). Cytogenetic location: 12q13.12.
Variant type: single nucleotide variant.
Coding change: c.4941C>T on transcript NM_003482.4 (MANE Select); coding-DNA position 4941, C replaced by T.
Protein change: p.Thr1647=; no amino-acid change (threonine 1647 retained).
Molecular consequence: synonymous variant.
Genome position (GRCh38, 1-based): chr12:49,044,766, G>A on the plus strand (C>T on the coding strand, the complement: KMT2D is on the minus strand). VCF-style: chr12-49044766-G-A. GRCh37 (hg19) VCF-style: chr12-49438549-G-A.
Identifiers: ClinVar variation 435663 (VCV000435663.17), dbSNP rs748740454, ClinGen allele CA6547682.